The following is an entry in ClinVar:

ClinVar aggregate classification (germline): Uncertain significance (1 of 4 stars; one submission).

Allele frequency attached by ClinVar (database versions not stated): gnomAD exomes below 0.00001.
gnomAD v4.1: 2 of 1,613,388 alleles (0.00012%); highest among the groups gnomAD compares: Non-Finnish European, 0.00017%; no homozygotes.

Submission:

Labcorp Genetics (formerly Invitae), Labcorp
Classification: Uncertain significance. Last evaluated: 2022-09-20. Review status: criteria provided, single submitter. Criteria: Invitae Variant Classification Sherloc (09022015). Collection method: clinical testing. Allele origin: germline.
Comment: This sequence change replaces alanine, which is neutral and non-polar, with threonine, which is neutral and polar, at codon 462 of the PDE8B protein (p.Ala462Thr). This variant is not present in population databases (gnomAD no frequency). This variant has not been reported in the literature in individuals affected with PDE8B-related conditions. Algorithms developed to predict the effect of missense changes on protein structure and function (SIFT, PolyPhen-2, Align-GVGD) all suggest that this variant is likely to be tolerated. In summary, the available evidence is currently insufficient to determine the role of this variant in disease. Therefore, it has been classified as a Variant of Uncertain Significance.

NM_003719.5(PDE8B):c.1384G>A (p.Ala462Thr)

Gene: PDE8B (phosphodiesterase 8B; plus strand). Cytogenetic location: 5q13.3.
Variant type: single nucleotide variant.
Coding change: c.1384G>A on transcript NM_003719.5 (MANE Select); coding-DNA position 1384, G replaced by A.
Protein change: p.Ala462Thr; replaces alanine 462 with threonine.
Molecular consequence: missense variant. On other transcripts: intron variant (1).
Genome position (GRCh38, 1-based): chr5:77,408,911, G>A. VCF-style: chr5-77408911-G-A. GRCh37 (hg19) VCF-style: chr5-76704736-G-A.
Other names: c.1093G>A, p.Ala365Thr (NM_001029851.4); c.1324G>A, p.Ala442Thr (NM_001029853.4); c.1243G>A, p.Ala415Thr (NM_001029854.4); c.1381G>A, p.Ala461Thr (NM_001349748.3, NM_001349751.3); c.1447G>A, p.Ala483Thr (NM_001349749.3); c.1144G>A, p.Ala382Thr (NM_001349750.3); c.1078G>A, p.Ala360Thr (NM_001349752.3); c.1012G>A, p.Ala338Thr (NM_001349753.2, NM_001376067.1, NM_001376068.1); and 12 more; short protein forms A241T, A244T, A264T, A313T, A314T, A334T, A338T, A341T.
Identifiers: ClinVar variation 1719866 (VCV001719866.6), dbSNP rs2532249696, ClinGen allele CA360178201.